The following is an entry in ClinVar:

ClinVar aggregate classification (germline): Uncertain significance. Review status: criteria provided, multiple submitters, no conflicts (2 of 4 stars). 2 submissions from 2 submitters: Uncertain significance (2). Last evaluated 2023-12-18.

Conditions:
Inborn genetic diseases. Identifiers: MedGen C0950123, MeSH D030342.
Combined oxidative phosphorylation defect type 17. Also called: Combined oxidative phosphorylation deficiency 17. Identifiers: Orphanet 369913, MedGen C3809526, MONDO:0014190, OMIM 615440.

Submissions (2):

Ambry Genetics
Classification: Uncertain significance for Inborn genetic diseases. Last evaluated: 2023-12-18. Review status: criteria provided, single submitter. Criteria: Ambry Variant Classification Scheme 2023. Collection method: clinical testing. Allele origin: germline.

Labcorp Genetics (formerly Invitae), Labcorp
Classification: Uncertain significance for Combined oxidative phosphorylation defect type 17. Last evaluated: 2022-07-13. Review status: criteria provided, single submitter. Criteria: Invitae Variant Classification Sherloc (09022015). Collection method: clinical testing. Allele origin: germline.
Comment: This sequence change replaces leucine, which is neutral and non-polar, with valine, which is neutral and non-polar, at codon 121 of the ELAC2 protein (p.Leu121Val). This variant is not present in population databases (gnomAD no frequency). This variant has not been reported in the literature in individuals affected with ELAC2-related conditions. Algorithms developed to predict the effect of missense changes on protein structure and function are either unavailable or do not agree on the potential impact of this missense change (SIFT: "Deleterious"; PolyPhen-2: "Probably Damaging"; Align-GVGD: "Class C0"). In summary, the available evidence is currently insufficient to determine the role of this variant in disease. Therefore, it has been classified as a Variant of Uncertain Significance.

NM_018127.7(ELAC2):c.361T>G (p.Leu121Val)

Gene: ELAC2 (elaC ribonuclease Z 2; minus strand). Cytogenetic location: 17p12.
Variant type: single nucleotide variant.
Coding change: c.361T>G on transcript NM_018127.7 (MANE Select); coding-DNA position 361, T replaced by G.
Protein change: p.Leu121Val; replaces leucine 121 with valine.
Molecular consequence: missense variant.
Genome position (GRCh38, 1-based): chr17:13,016,868, A>C on the plus strand (T>G on the coding strand, the complement: ELAC2 is on the minus strand). VCF-style: chr17-13016868-A-C. GRCh37 (hg19) VCF-style: chr17-12920185-A-C.
Other names: c.361T>G, p.Leu121Val (NM_001165962.2, NM_173717.2); c.361T>G (NM_018127.6); short protein forms L121V.
Identifiers: ClinVar variation 1929642 (VCV001929642.3), dbSNP rs200893345, ClinGen allele CA288066543.
Genomic context (GRCh38, chr17:13,016,868, plus strand): 5'-TTAAAATCCCAGAGACTTCCCACCAGCCTCTGACACTGCAAAGAATATACTCACCACTTA[A>C]GCCCCCAACATTAGACCAGTGCATTCGTGTCAGGAATATGTTGTCCAGGCGAGCAACCTT-3'
Protein context (NP_060597.4, residues 111-131): TRMHWSNVGG[Leu121Val]SGMILTLKET